The following is an entry in ClinVar:

ClinVar aggregate classification (germline): Uncertain significance. Review status: criteria provided, multiple submitters, no conflicts (2 of 4 stars). 2 submissions from 2 submitters: Uncertain significance (2). Last evaluated 2026-08-18.

Conditions:
Hereditary cancer-predisposing syndrome. Also called: Tumor predisposition; Hereditary neoplastic syndrome; Hereditary Cancer Syndrome; Neoplastic Syndromes, Hereditary. Identifiers: Orphanet 140162, MedGen C0027672, MeSH D009386, MONDO:0015356.

Submissions (2):

Ambry Genetics
Classification: Uncertain significance for Hereditary cancer-predisposing syndrome. Last evaluated: 2026-08-18. Review status: criteria provided, single submitter. Criteria: Ambry Variant Classification Scheme 2023. Collection method: clinical testing. Allele origin: germline.
Comment: The c.216delG variant, located in coding exon 1 of the HOXB13 gene, results from a deletion of one nucleotide at nucleotide position 216, causing a translational frameshift with a predicted alternate stop codon (p.T73Rfs*25). This variant is expected to result in protein truncation or nonsense-mediated mRNA decay. However, loss of function has not been established as a mechanism of disease. Based on the available evidence, the clinical significance of this variant remains unclear.

Labcorp Genetics (formerly Invitae), Labcorp
Classification: Uncertain significance. Last evaluated: 2025-01-23. Review status: criteria provided, single submitter. Criteria: Invitae Variant Classification Sherloc (09022015). Collection method: clinical testing. Allele origin: germline.
Comment: This sequence change creates a premature translational stop signal (p.Thr73Argfs*25) in the HOXB13 gene. It is expected to result in an absent or disrupted protein product. However, the current clinical and genetic evidence is not sufficient to establish whether loss-of-function variants in HOXB13 cause disease. This variant is not present in population databases (gnomAD no frequency). This variant has not been reported in the literature in individuals affected with HOXB13-related conditions. In summary, the available evidence is currently insufficient to determine the role of this variant in disease. Therefore, it has been classified as a Variant of Uncertain Significance.

NM_006361.6(HOXB13):c.216del (p.Thr73fs)

Gene: HOXB13 (homeobox B13; minus strand). Cytogenetic location: 17q21.32.
Variant type: Deletion.
Coding change: c.216del on transcript NM_006361.6 (MANE Select); coding-DNA position 216, one base deleted (G; older notation c.216delG).
Protein change: p.Thr73fs; shifts the reading frame from threonine 73.
Molecular consequence: frameshift variant.
Genome position (GRCh38, 1-based): chr17:48,728,378, C deleted on the plus strand (G on the coding strand, the reverse complement: HOXB13 is on the minus strand); the first of 4 consecutive C bases (chr17:48,728,378-48,728,381); deleting any one gives the same sequence. VCF-style (leftmost placement, unchanged base first): chr17-48728377-TC-T. GRCh37 (hg19) VCF-style: chr17-46805739-TC-T.
Other names: c.216delG (NM_006361.5); short protein forms T73fs.
Identifiers: ClinVar variation 3674111 (VCV003674111.3).